The following is an entry in ClinVar:

ClinVar aggregate classification (germline): Likely benign. Review status: criteria provided, multiple submitters, no conflicts (2 of 4 stars). 2 submissions from 2 submitters: Likely benign (2). Last evaluated 2018-06-14.

Allele frequency attached by ClinVar (database versions not stated): 1000 Genomes Project 0.02157; 1000 Genomes Project 30x 0.02264; gnomAD 0.03530 and 0.03673; TOPMed 0.03628.
gnomAD v4.1: 29,371 of 892,370 alleles (3.3%); highest among the groups gnomAD compares: Non-Finnish European, 3.9%; 604 homozygotes.

Submissions (2):

GeneDx
Classification: Likely benign. Last evaluated: 2018-06-14. Review status: criteria provided, single submitter. Criteria: GeneDx Variant Classification (06012015). Collection method: clinical testing. Allele origin: germline. Affected: yes.
Comment: This variant is considered likely benign or benign based on one or more of the following criteria: it is a conservative change, it occurs at a poorly conserved position in the protein, it is predicted to be benign by multiple in silico algorithms, and/or has population frequency not consistent with disease.

Breakthrough Genomics
Classification: Likely benign. Review status: criteria provided, single submitter. Criteria: ACMG Guidelines, 2015. Collection method: not provided. Allele origin: germline. Inheritance: Autosomal recessive inheritance. Affected: yes.

NM_001849.4(COL6A2):c.1332+120A>C

Gene: COL6A2 (collagen type VI alpha 2 chain; plus strand). Cytogenetic location: 21q22.3.
Variant type: single nucleotide variant.
Coding change: c.1332+120A>C on transcript NM_001849.4 (MANE Select); 120 bases into the intron after coding-DNA position 1332, A replaced by C.
Molecular consequence: intron variant.
Genome position (GRCh38, 1-based): chr21:46,119,970, A>C. VCF-style: chr21-46119970-A-C. GRCh37 (hg19) VCF-style: chr21-47539884-A-C.
Other names: c.1332+120A>C (NM_058175.3, NM_058174.3).
Identifiers: ClinVar variation 672418 (VCV000672418.2), dbSNP rs114994097, ClinGen allele CA321966127.